The following is an entry in ClinVar:

NM_145207.3(AFG2A):c.1670A>C (p.His557Pro)

Gene: AFG2A (AFG2 AAA ATPase homolog A; plus strand). Cytogenetic location: 4q28.1.
Variant type: single nucleotide variant.
Coding change: c.1670A>C on transcript NM_145207.3 (MANE Select); coding-DNA position 1670, A replaced by C.
Protein change: p.His557Pro; replaces histidine 557 with proline.
Molecular consequence: missense variant.
Genome position (GRCh38, 1-based): chr4:122,947,444, A>C. VCF-style: chr4-122947444-A-C. GRCh37 (hg19) VCF-style: chr4-123868599-A-C.
Other names: c.1667A>C, p.His556Pro (NM_001317799.2, NM_001345856.2); short protein forms H556P, H557P.
Identifiers: ClinVar variation 639772 (VCV000639772.6), dbSNP rs373256503, ClinGen allele CA3070508.

ClinVar aggregate classification (germline): Uncertain significance (1 of 4 stars; one submission).

Conditions:
Microcephaly-intellectual disability-sensorineural hearing loss-epilepsy-abnormal muscle tone syndrome (NEDHSB). Also called: NEURODEVELOPMENTAL DISORDER WITH HEARING LOSS, SEIZURES, AND BRAIN ABNORMALITIES. Identifiers: Orphanet 457351, MedGen C4225276, MONDO:0014698, OMIM 616577.

Allele frequency attached by ClinVar (database versions not stated): ESP Exome Variant Server 0.00015; 1000 Genomes Project 30x 0.00016; 1000 Genomes Project 0.00020; ExAC 0.00002; TOPMed 0.00006; gnomAD exomes 0.00001; gnomAD 0.00003.
gnomAD v4.1: 20 of 1,614,044 alleles (0.0012%); highest among the groups gnomAD compares: African/African-American, 0.025%; no homozygotes.

Submission:

Labcorp Genetics (formerly Invitae), Labcorp
Classification: Uncertain significance for Microcephaly-intellectual disability-sensorineural hearing loss-epilepsy-abnormal muscle tone syndrome. Last evaluated: 2024-10-29. Review status: criteria provided, single submitter. Criteria: Invitae Variant Classification Sherloc (09022015). Collection method: clinical testing. Allele origin: germline.
Comment: This sequence change replaces histidine, which is basic and polar, with proline, which is neutral and non-polar, at codon 557 of the SPATA5 protein (p.His557Pro). This variant is present in population databases (rs373256503, gnomAD 0.02%). This variant has not been reported in the literature in individuals affected with SPATA5-related conditions. ClinVar contains an entry for this variant (Variation ID: 639772). Invitae Evidence Modeling of protein sequence and biophysical properties (such as structural, functional, and spatial information, amino acid conservation, physicochemical variation, residue mobility, and thermodynamic stability) has been performed for this missense variant. However, the output from this modeling did not meet the statistical confidence thresholds required to predict the impact of this variant on SPATA5 protein function. In summary, the available evidence is currently insufficient to determine the role of this variant in disease. Therefore, it has been classified as a Variant of Uncertain Significance.